The following is an entry in ClinVar:

ClinVar aggregate classification (germline): Uncertain significance. Review status: criteria provided, multiple submitters, no conflicts (2 of 4 stars). 4 submissions from 4 submitters: Uncertain significance (3). 1 of the submissions does not count toward it. Last evaluated 2024-10-15.

Conditions:
Inborn genetic diseases. Identifiers: MedGen C0950123, MeSH D030342.
PTPN23-related disorder. Also called: PTPN23-related condition.

Allele frequency attached by ClinVar (database versions not stated): gnomAD exomes below 0.00001 and 0.00002; ExAC 0.00002; gnomAD 0.00002; TOPMed 0.00002; ESP Exome Variant Server 0.00008.

Submissions (4):

Labcorp Genetics (formerly Invitae), Labcorp
Classification: Uncertain significance. Last evaluated: 2024-10-15. Review status: criteria provided, single submitter. Criteria: Invitae Variant Classification Sherloc (09022015). Collection method: clinical testing. Allele origin: germline.
Comment: This sequence change replaces aspartic acid, which is acidic and polar, with asparagine, which is neutral and polar, at codon 278 of the PTPN23 protein (p.Asp278Asn). This variant is present in population databases (rs375689982, gnomAD 0.01%). This variant has not been reported in the literature in individuals affected with PTPN23-related conditions. ClinVar contains an entry for this variant (Variation ID: 1422862). Experimental studies and prediction algorithms are not available or were not evaluated, and the functional significance of this variant is currently unknown. In summary, the available evidence is currently insufficient to determine the role of this variant in disease. Therefore, it has been classified as a Variant of Uncertain Significance.

Ambry Genetics
Classification: Uncertain significance for Inborn genetic diseases. Last evaluated: 2024-02-14. Review status: criteria provided, single submitter. Criteria: Ambry Variant Classification Scheme 2023. Collection method: clinical testing. Allele origin: germline.

Blueprint Genetics
Classification: Uncertain significance. Last evaluated: 2021-06-14. Review status: criteria provided, single submitter. Criteria: ACMG Guidelines, 2015. Collection method: clinical testing. Allele origin: germline.

PreventionGenetics, part of Exact Sciences
Classification: Uncertain significance for PTPN23-related condition. Last evaluated: 2023-11-14. Review status: no assertion criteria provided. Collection method: clinical testing. Allele origin: germline. Not counted in ClinVar's aggregate classification.
Comment: The PTPN23 c.832G>A variant is predicted to result in the amino acid substitution p.Asp278Asn. To our knowledge, this variant has not been reported in the literature. This variant is reported in 0.0080% of alleles in individuals of African descent in gnomAD. At this time, the clinical significance of this variant is uncertain due to the absence of conclusive functional and genetic evidence.

NM_015466.4(PTPN23):c.832G>A (p.Asp278Asn)

Gene: PTPN23 (protein tyrosine phosphatase non-receptor type 23; plus strand). Cytogenetic location: 3p21.31.
Variant type: single nucleotide variant.
Coding change: c.832G>A on transcript NM_015466.4 (MANE Select); coding-DNA position 832, G replaced by A.
Protein change: p.Asp278Asn; replaces aspartic acid 278 with asparagine.
Molecular consequence: missense variant.
Genome position (GRCh38, 1-based): chr3:47,407,154, G>A. VCF-style: chr3-47407154-G-A. GRCh37 (hg19) VCF-style: chr3-47448644-G-A.
Other names: c.832G>A (NM_015466.3, NM_015466.2); c.454G>A, p.Asp152Asn (NM_001304482.2); short protein forms D278N, D152N.
Identifiers: ClinVar variation 1422862 (VCV001422862.12), dbSNP rs375689982, ClinGen allele CA2365509.